The following is an entry in ClinVar:

NM_001378418.1(TCF20):c.2803C>A (p.Gln935Lys)

Gene: TCF20 (transcription factor 20; minus strand). Cytogenetic location: 22q13.2.
Variant type: single nucleotide variant.
Coding change: c.2803C>A on transcript NM_001378418.1 (MANE Select); coding-DNA position 2803, C replaced by A.
Protein change: p.Gln935Lys; replaces glutamine 935 with lysine.
Molecular consequence: missense variant.
Genome position (GRCh38, 1-based): chr22:42,212,503, G>T on the plus strand (C>A on the coding strand, the complement: TCF20 is on the minus strand). VCF-style: chr22-42212503-G-T. GRCh37 (hg19) VCF-style: chr22-42608509-G-T.
Other names: c.2803C>A, p.Gln935Lys (NM_005650.4, NM_181492.3); short protein forms Q935K.
Identifiers: ClinVar variation 2443515 (VCV002443515.2), dbSNP rs2518222528, ClinGen allele CA411787864.

ClinVar aggregate classification (germline): Uncertain significance. Review status: criteria provided, multiple submitters, no conflicts (2 of 4 stars). 2 submissions from 2 submitters: Uncertain significance (2). Last evaluated 2025-08-02.

Conditions:
Inborn genetic diseases. Identifiers: MedGen C0950123, MeSH D030342.

Submissions (2):

Ambry Genetics
Classification: Uncertain significance for Inborn genetic diseases. Last evaluated: 2025-08-02. Review status: criteria provided, single submitter. Criteria: Ambry Variant Classification Scheme 2023. Collection method: clinical testing. Allele origin: germline.

GeneDx
Classification: Uncertain significance. Last evaluated: 2022-09-07. Review status: criteria provided, single submitter. Criteria: GeneDx Variant Classification Process June 2021. Collection method: clinical testing. Allele origin: germline. Affected: yes.
Comment: Not observed at significant frequency in large population cohorts (gnomAD); In silico analysis supports that this missense variant does not alter protein structure/function; Has not been previously published as pathogenic or benign to our knowledge